The following is an entry in ClinVar:

ClinVar aggregate classification (germline): Conflicting classifications of pathogenicity. Review status: criteria provided, conflicting classifications (1 of 4 stars). 2 submissions from 2 submitters: Uncertain significance (1); Likely benign (1). Last evaluated 2024-02-27.

Conditions:
Alpha thalassemia-X-linked intellectual disability syndrome (ATRX). Also called: ALPHA-THALASSEMIA/IMPAIRED INTELLECTUAL DEVELOPMENT SYNDROME, X-LINKED; ATR-X syndrome; Alpha thalassemia mental retardation syndrome, nondeletion type, X-linked; XLMR hypotonic face syndrome; ALPHA-THALASSEMIA/MENTAL RETARDATION SYNDROME, X-LINKED; ATR, NONDELETION TYPE. Identifiers: Orphanet 847, MedGen C1845055, MONDO:0010519, OMIM 301040.

gnomAD v4.1: 1 of 1,211,382 alleles (0.000083%); highest among the groups gnomAD compares: Non-Finnish European, 0.00011%; no homozygotes.

Submissions (2):

Labcorp Genetics (formerly Invitae), Labcorp
Classification: Likely benign for Alpha thalassemia-X-linked intellectual disability syndrome. Last evaluated: 2024-02-27. Review status: criteria provided, single submitter. Criteria: Invitae Variant Classification Sherloc (09022015). Collection method: clinical testing. Allele origin: germline.

GeneDx
Classification: Uncertain significance. Last evaluated: 2020-07-06. Review status: criteria provided, single submitter. Criteria: GeneDx Variant Classification Process June 2021. Collection method: clinical testing. Allele origin: germline. Affected: yes.
Comment: Not observed in large population cohorts (Lek et al., 2016); In silico analysis supports that this variant does not alter splicing; Has not been previously published as pathogenic or benign to our knowledge

NM_000489.6(ATRX):c.3933A>G (p.Pro1311=)

Gene: ATRX (ATRX chromatin remodeler; minus strand). Cytogenetic location: Xq21.1.
Variant type: single nucleotide variant.
Coding change: c.3933A>G on transcript NM_000489.6 (MANE Select); coding-DNA position 3933, A replaced by G.
Protein change: p.Pro1311=; no amino-acid change (proline 1311 retained).
Molecular consequence: synonymous variant.
Genome position (GRCh38, 1-based): chrX:77,664,655, T>C on the plus strand (A>G on the coding strand, the complement: ATRX is on the minus strand). VCF-style: chrX-77664655-T-C. GRCh37 (hg19) VCF-style: chrX-76920144-T-C.
Other names: c.3819A>G, p.Pro1273= (NM_138270.5).
Identifiers: ClinVar variation 1318607 (VCV001318607.9), dbSNP rs2148496532, ClinGen allele CA517376416.